The following is an entry in ClinVar:

ClinVar aggregate classification (germline): Likely benign (1 of 4 stars; one submission).

Allele frequency attached by ClinVar (database versions not stated): gnomAD exomes 0.00005; gnomAD 0.00007; TOPMed 0.00008; ExAC 0.00017.
gnomAD v4.1: 60 of 1,199,195 alleles (0.005%); highest among the groups gnomAD compares: Admixed American, 0.058%; no homozygotes.

Submission:

CeGaT Center for Human Genetics Tuebingen
Classification: Likely benign. Last evaluated: 2025-11-01. Review status: criteria provided, single submitter. Criteria: CeGaT Center For Human Genetics Tuebingen Variant Classification Criteria Version 2. Collection method: clinical testing. Allele origin: germline. Affected: yes. Observed: 2 variant alleles.
Comment: PQBP1: BS2; TIMM17B: BP4, BP7, BS2

NM_001395498.1(TIMM17B):c.292T>C (p.Leu98=)

Genes: PQBP1 (polyglutamine binding protein 1; plus strand), TIMM17B (translocase of inner mitochondrial membrane 17B; minus strand). Cytogenetic location: Xp11.23.
Variant type: single nucleotide variant.
Coding change: c.292T>C on transcript NM_001395498.1 (MANE Select); coding-DNA position 292, T replaced by C.
Protein change: p.Leu98=; no amino-acid change (leucine 98 retained).
Molecular consequence: synonymous variant.
Genome position (GRCh38, 1-based): chrX:48,894,124, A>G on the plus strand (T>C on the coding strand, the complement: TIMM17B is on the minus strand). VCF-style: chrX-48894124-A-G. GRCh37 (hg19) VCF-style: chrX-48751407-A-G.
Other names: c.442T>C, p.Leu148= (NM_001167947.2, NM_001395497.1); c.292T>C, p.Leu98= (NM_005834.5).
Identifiers: ClinVar variation 2660481 (VCV002660481.24), dbSNP rs781804914, ClinGen allele CA10405717.